The following is an entry in ClinVar:

ClinVar aggregate classification (germline): Conflicting classifications of pathogenicity. Review status: criteria provided, conflicting classifications (1 of 4 stars). 8 submissions from 8 submitters: Uncertain significance (4); Likely benign (3). 1 of the submissions does not count toward it. Last evaluated 2026-05-01.

Conditions:
FANCG-related disorder. Also called: FANCG-related condition.
Fanconi anemia (FA). Also called: Fanconi's anemia. Identifiers: Orphanet 84, MedGen C0015625, MeSH D005199, MONDO:0019391.
Fanconi anemia complementation group G. Also called: Fanconi anemia group G; FANCG-Related Fanconi Anemia. Identifiers: Orphanet 84, MedGen C3469527, MONDO:0013565, OMIM 614082.

Allele frequency attached by ClinVar (database versions not stated): ExAC 0.00037; 1000 Genomes Project 30x 0.00062; 1000 Genomes Project 0.00080; gnomAD 0.00004 and 0.00009; TOPMed 0.00009; gnomAD exomes 0.00017 and 0.00035.
gnomAD v4.1: 266 of 1,614,050 alleles (0.016%); highest among the groups gnomAD compares: South Asian, 0.19%; 4 homozygotes.

Submissions (8):

CeGaT Center for Human Genetics Tuebingen
Classification: Likely benign. Last evaluated: 2026-05-01. Review status: criteria provided, single submitter. Criteria: CeGaT Center For Human Genetics Tuebingen Variant Classification Criteria Version 2. Collection method: clinical testing. Allele origin: germline. Affected: yes. Observed: 1 variant allele.
Comment: FANCG: BS2

Labcorp Genetics (formerly Invitae), Labcorp
Classification: Likely benign for Fanconi anemia. Last evaluated: 2026-01-19. Review status: criteria provided, single submitter. Criteria: Invitae Variant Classification Sherloc (09022015). Collection method: clinical testing. Allele origin: germline.

PreventionGenetics, part of Exact Sciences
Classification: Uncertain significance for FANCG-related condition. Last evaluated: 2025-12-26. Review status: criteria provided, single submitter. Criteria: ACMG Guidelines, 2015. Collection method: clinical testing. Allele origin: germline.
Comment: The FANCG c.366G>C variant is predicted to result in the amino acid substitution p.Trp122Cys. This variant has been reported in two individuals with pancreatic ductal adenocarcinoma (Shindo et al. 2017. PubMed ID: 28767289) and molecular dynamics simulations predict that this variant may destabilize the protein (Boujemaa et al. 2024. PubMed ID: 38313678). This variant is reported in 0.22% of alleles in individuals of South Asian descent in gnomAD, including two homozygous individuals. This allele frequency is higher than expected for other known pathogenic variants in FANCG. Although we suspect that this variant may be benign, at this time, the clinical significance of this variant is uncertain due to the absence of conclusive functional and genetic evidence.

Dasa
Classification: Uncertain significance. Last evaluated: 2025-04-05. Review status: criteria provided, single submitter. Criteria: DASA Assertion Criteria. Collection method: clinical testing. Allele origin: germline.
Comment: NM_004629.2(FANCG):c.366G>C (p.Trp122Cys) is a missense variant that results in the substitution of tryptophan with cysteine. Multiple computational predictions support a deleterious effect on the gene or gene product. Based on the available data, this variant is classified as variant of uncertain significance.

Sema4
Classification: Uncertain significance for Fanconi anemia. Last evaluated: 2021-08-03. Review status: criteria provided, single submitter. Criteria: Sema4 Curation Guidelines. Collection method: curation. Allele origin: germline.
Comment: The FANCG c.366G>C (p.W122C) variant has been reported in heterozygosity in one patient with pancreatic ductal adenocarcinoma (PMID: 28767289), and also in a healthy individual (PubMed 24728327). It was observed in 68/30608 chromosomes of the South Asian subpopulation, with one homozygote, in the large and broad cohorts of the Genome Aggregation Database (PMID: 32461654). The variant has been reported in ClinVar (Variation ID 134365). In silico tools suggest the impact of the variant on protein function is deleterious, though these predictions have not been confirmed by functional studies. The evidence is insufficient to meet ACMG/AMP criteria for classifying the variant as benign or pathogenic. Thus, the clinical significance of this variant is currently uncertain.

Genetic Services Laboratory, University of Chicago
Classification: Likely benign. Last evaluated: 2018-02-14. Review status: criteria provided, single submitter. Criteria: ACMG Guidelines, 2015. Collection method: clinical testing. Allele origin: germline. Affected: no.

Illumina Laboratory Services, Illumina
Classification: Uncertain significance for Fanconi anemia complementation group G. Last evaluated: 2018-01-12. Review status: criteria provided, single submitter. Criteria: ICSL Variant Classification Criteria 13 December 2019. Collection method: clinical testing. Allele origin: germline.

ITMI
No classification provided. Condition: AllHighlyPenetrant. Last evaluated: 2013-09-19. Review status: no classification provided. Collection method: reference population. Allele origin: germline. Not counted in ClinVar's aggregate classification.
Comment: Please see associated publication for description of ethnicities

Literature cited by the submitters: PubMed 28767289 (cited by Sema4); PubMed 24728327 (cited by Sema4 and ITMI).

NM_004629.2(FANCG):c.366G>C (p.Trp122Cys)

Gene: FANCG (FA complementation group G; minus strand). Cytogenetic location: 9p13.3.
Variant type: single nucleotide variant.
Coding change: c.366G>C on transcript NM_004629.2 (MANE Select); coding-DNA position 366, G replaced by C.
Protein change: p.Trp122Cys; replaces tryptophan 122 with cysteine.
Molecular consequence: missense variant.
Genome position (GRCh38, 1-based): chr9:35,078,285, C>G on the plus strand (G>C on the coding strand, the complement: FANCG is on the minus strand). VCF-style: chr9-35078285-C-G. GRCh37 (hg19) VCF-style: chr9-35078282-C-G.
Other names: short protein forms W122C.
Identifiers: ClinVar variation 134365 (VCV000134365.22), dbSNP rs546023787, ClinGen allele CA159610.
Genomic context (GRCh38, chr9:35,078,285, plus strand): 5'-CAGGCGGTGCAGGGCAGACAGCAGCTCCGGCAGAAGGCAGGAAGCACGAAGGACAGAGTC[C>G]CACAGCTCCCTGAGCCCCTGTTCCAACCTGGGCCCCTGCTGCTCCTGTGTCTCCAGCACT-3'
Protein context (NP_004620.1, residues 112-132): PRLEQGLREL[Trp122Cys]DSVLRASCLL